The following is an entry in ClinVar:

ClinVar aggregate classification (germline): Uncertain significance (1 of 4 stars; one submission).

Conditions:
Catecholaminergic polymorphic ventricular tachycardia 1. Also called: VENTRICULAR TACHYCARDIA, STRESS-INDUCED POLYMORPHIC 1; RYR2-Related Catecholaminergic Polymorphic Ventricular Tachycardia; VENTRICULAR TACHYCARDIA, CATECHOLAMINERGIC POLYMORPHIC, 1, WITH OR WITHOUT ATRIAL DYSFUNCTION AND/OR DILATED CARDIOMYOPATHY. Identifiers: Orphanet 3286, MedGen C1631597, MONDO:0011484, OMIM 604772.

Submission:

Labcorp Genetics (formerly Invitae), Labcorp
Classification: Uncertain significance for Catecholaminergic polymorphic ventricular tachycardia 1. Last evaluated: 2024-08-08. Review status: criteria provided, single submitter. Criteria: Invitae Variant Classification Sherloc (09022015). Collection method: clinical testing. Allele origin: germline.
Comment: This sequence change replaces leucine, which is neutral and non-polar, with valine, which is neutral and non-polar, at codon 211 of the RYR2 protein (p.Leu211Val). This variant is not present in population databases (gnomAD no frequency). This variant has not been reported in the literature in individuals affected with RYR2-related conditions. Advanced modeling of protein sequence and biophysical properties (such as structural, functional, and spatial information, amino acid conservation, physicochemical variation, residue mobility, and thermodynamic stability) performed at Invitae indicates that this missense variant is expected to disrupt RYR2 protein function with a positive predictive value of 80%. In summary, the available evidence is currently insufficient to determine the role of this variant in disease. Therefore, it has been classified as a Variant of Uncertain Significance.

NM_001035.3(RYR2):c.631C>G (p.Leu211Val)

Gene: RYR2 (ryanodine receptor 2; plus strand). Cytogenetic location: 1q43.
Variant type: single nucleotide variant.
Coding change: c.631C>G on transcript NM_001035.3 (MANE Select); coding-DNA position 631, C replaced by G.
Protein change: p.Leu211Val; replaces leucine 211 with valine.
Molecular consequence: missense variant.
Genome position (GRCh38, 1-based): chr1:237,387,335, C>G. VCF-style: chr1-237387335-C-G. GRCh37 (hg19) VCF-style: chr1-237550635-C-G.
Other names: short protein forms L211V.
Identifiers: ClinVar variation 3604279 (VCV003604279.2).